The following is an entry in ClinVar:

ClinVar aggregate classification (germline): Uncertain significance (1 of 4 stars; one submission).

gnomAD v4.1: 9 of 1,613,944 alleles (0.00056%); highest among the groups gnomAD compares: African/African-American, 0.0013%; no homozygotes.

Submission:

GeneDx
Classification: Uncertain significance. Last evaluated: 2025-04-17. Review status: criteria provided, single submitter. Criteria: GeneDx Variant Classification Process June 2021. Collection method: clinical testing. Allele origin: germline. Affected: yes.
Comment: Not observed at significant frequency in large population cohorts (gnomAD); In silico analysis supports that this missense variant has a deleterious effect on protein structure/function; Has not been previously published as pathogenic or benign to our knowledge; Reported using an alternate transcript of the gene

NM_007078.3(LDB3):c.2038G>A (p.Asp680Asn)

Gene: LDB3 (LIM domain binding 3; plus strand). Cytogenetic location: 10q23.2.
Variant type: single nucleotide variant.
Coding change: c.2038G>A on transcript NM_007078.3 (MANE Select); coding-DNA position 2038, G replaced by A.
Protein change: p.Asp680Asn; replaces aspartic acid 680 with asparagine.
Molecular consequence: missense variant.
Genome position (GRCh38, 1-based): chr10:86,726,196, G>A. VCF-style: chr10-86726196-G-A. GRCh37 (hg19) VCF-style: chr10-88485953-G-A.
Other names: c.1708G>A, p.Asp570Asn (NM_001080114.2); c.2053G>A, p.Asp685Asn (NM_001171610.2); c.1849G>A, p.Asp617Asn (NM_001368064.1, NM_001368065.1); c.1897G>A, p.Asp633Asn (NM_001368066.1); short protein forms D570N, D617N, D633N, D680N, D685N.
Identifiers: ClinVar variation 4282237 (VCV004282237.1).